The following is an entry in ClinVar:

ClinVar aggregate classification (germline): Pathogenic (1 of 4 stars; one submission).

Submission:

CeGaT Center for Human Genetics Tuebingen
Classification: Pathogenic. Last evaluated: 2026-09-01. Review status: criteria provided, single submitter. Criteria: CeGaT Center For Human Genetics Tuebingen Variant Classification Criteria Version 2. Collection method: clinical testing. Allele origin: germline. Affected: yes. Observed: 1 variant allele.
Comment: DMD: PVS1, PM2, PS4:Supporting

NM_004006.3(DMD):c.4285A>T (p.Lys1429Ter)

Gene: DMD (dystrophin; minus strand). Cytogenetic location: Xp21.1.
Variant type: single nucleotide variant.
Coding change: c.4285A>T on transcript NM_004006.3 (MANE Select); coding-DNA position 4285, A replaced by T.
Protein change: p.Lys1429Ter; replaces lysine 1429 with a stop codon.
Molecular consequence: nonsense.
Genome position (GRCh38, 1-based): chrX:32,390,130, T>A on the plus strand (A>T on the coding strand, the complement: DMD is on the minus strand). VCF-style: chrX-32390130-T-A. GRCh37 (hg19) VCF-style: chrX-32408247-T-A.
Other names: c.4261A>T, p.Lys1421Ter (NM_000109.4); c.4273A>T, p.Lys1425Ter (NM_004009.3); c.3916A>T, p.Lys1306Ter (NM_004010.3); c.262A>T, p.Lys88Ter (NM_004011.4); c.253A>T, p.Lys85Ter (NM_004012.4); short protein forms K1306*, K1421*, K1425*, K1429*, K85*, K88*.
Identifiers: ClinVar variation 5039687 (VCV005039687.1), dbSNP rs2147620869.